The following is an entry in ClinVar:

NM_014334.4(FRRS1L):c.131G>T (p.Gly44Val)

Gene: FRRS1L (ferric chelate reductase 1 like; minus strand). Cytogenetic location: 9q31.3.
Variant type: single nucleotide variant.
Coding change: c.131G>T on transcript NM_014334.4 (MANE Select); coding-DNA position 131, G replaced by T.
Protein change: p.Gly44Val; replaces glycine 44 with valine.
Molecular consequence: missense variant.
Genome position (GRCh38, 1-based): chr9:109,167,008, C>A on the plus strand (G>T on the coding strand, the complement: FRRS1L is on the minus strand). VCF-style: chr9-109167008-C-A. GRCh37 (hg19) VCF-style: chr9-111929288-C-A.
Other names: short protein forms G44V.
Identifiers: ClinVar variation 643001 (VCV000643001.10), dbSNP rs1486045359, ClinGen allele CA374430439.

ClinVar aggregate classification (germline): Uncertain significance. Review status: criteria provided, multiple submitters, no conflicts (2 of 4 stars). 3 submissions from 3 submitters: Uncertain significance (3). Last evaluated 2024-05-26.

Conditions:
Developmental and epileptic encephalopathy, 37 (DEE37). Also called: Epileptic encephalopathy, early infantile, 37. Identifiers: MedGen C4310770, MONDO:0014859, OMIM 616981.
Inborn genetic diseases. Identifiers: MedGen C0950123, MeSH D030342.

Allele frequency attached by ClinVar (database versions not stated): gnomAD 0.00002 and 0.00003; TOPMed 0.00003; 1000 Genomes Project 30x 0.00016.
gnomAD v4.1: 20 of 1,230,648 alleles (0.0016%); highest among the groups gnomAD compares: East Asian, 0.062%; no homozygotes.

Submissions (3):

Ambry Genetics
Classification: Uncertain significance for Inborn genetic diseases. Last evaluated: 2024-05-26. Review status: criteria provided, single submitter. Criteria: Ambry Variant Classification Scheme 2023. Collection method: clinical testing. Allele origin: germline.

GeneDx
Classification: Uncertain significance. Last evaluated: 2023-06-28. Review status: criteria provided, single submitter. Criteria: GeneDx Variant Classification Process June 2021. Collection method: clinical testing. Allele origin: germline. Affected: yes.
Comment: Not observed at a significant frequency in large population cohorts (gnomAD); In silico analysis supports a deleterious effect on splicing; In silico analysis supports that this missense variant does not alter protein structure/function; Has not been previously published as pathogenic or benign to our knowledge

Labcorp Genetics (formerly Invitae), Labcorp
Classification: Uncertain significance for Developmental and epileptic encephalopathy, 37. Last evaluated: 2022-06-13. Review status: criteria provided, single submitter. Criteria: Invitae Variant Classification Sherloc (09022015). Collection method: clinical testing. Allele origin: germline.
Comment: In summary, the available evidence is currently insufficient to determine the role of this variant in disease. Therefore, it has been classified as a Variant of Uncertain Significance. Algorithms developed to predict the effect of sequence changes on RNA splicing suggest that this variant may create or strengthen a splice site. Algorithms developed to predict the effect of missense changes on protein structure and function (SIFT, PolyPhen-2, Align-GVGD) all suggest that this variant is likely to be tolerated. ClinVar contains an entry for this variant (Variation ID: 643001). This variant has not been reported in the literature in individuals affected with FRRS1L-related conditions. This variant is present in population databases (no rsID available, gnomAD 0.06%). This sequence change replaces glycine, which is neutral and non-polar, with valine, which is neutral and non-polar, at codon 95 of the FRRS1L protein (p.Gly95Val).